The following is an entry in ClinVar:

ClinVar aggregate classification (germline): Uncertain significance (1 of 4 stars; one submission).

Allele frequency attached by ClinVar (database versions not stated): gnomAD exomes below 0.00001.
gnomAD v4.1: 1 of 1,607,638 alleles (0.000062%); highest among the groups gnomAD compares: South Asian, 0.0011%; no homozygotes.

Submission:

Labcorp Genetics (formerly Invitae), Labcorp
Classification: Uncertain significance. Last evaluated: 2021-06-26. Review status: criteria provided, single submitter. Criteria: Invitae Variant Classification Sherloc (09022015). Collection method: clinical testing. Allele origin: germline.
Comment: This sequence change replaces threonine with isoleucine at codon 580 of the KIF11 protein (p.Thr580Ile). The threonine residue is moderately conserved and there is a moderate physicochemical difference between threonine and isoleucine. This variant is not present in population databases (ExAC no frequency). This variant has not been reported in the literature in individuals affected with KIF11-related conditions. Algorithms developed to predict the effect of missense changes on protein structure and function (SIFT, PolyPhen-2, Align-GVGD) all suggest that this variant is likely to be tolerated. In summary, the available evidence is currently insufficient to determine the role of this variant in disease. Therefore, it has been classified as a Variant of Uncertain Significance.

NM_004523.4(KIF11):c.1739C>T (p.Thr580Ile)

Gene: KIF11 (kinesin family member 11; plus strand). Cytogenetic location: 10q23.33.
Variant type: single nucleotide variant.
Coding change: c.1739C>T on transcript NM_004523.4 (MANE Select); coding-DNA position 1739, C replaced by T.
Protein change: p.Thr580Ile; replaces threonine 580 with isoleucine.
Molecular consequence: missense variant.
Genome position (GRCh38, 1-based): chr10:92,633,659, C>T. VCF-style: chr10-92633659-C-T. GRCh37 (hg19) VCF-style: chr10-94393416-C-T.
Other names: short protein forms T580I.
Identifiers: ClinVar variation 1481534 (VCV001481534.8), dbSNP rs1844762395, ClinGen allele CA377592597.